The following is an entry in ClinVar:

NM_001365999.1(SZT2):c.6784C>T (p.His2262Tyr)

Gene: SZT2 (SZT2 subunit of KICSTOR complex; plus strand). Cytogenetic location: 1p34.2.
Variant type: single nucleotide variant.
Coding change: c.6784C>T on transcript NM_001365999.1 (MANE Select); coding-DNA position 6784, C replaced by T.
Protein change: p.His2262Tyr; replaces histidine 2262 with tyrosine.
Molecular consequence: missense variant.
Genome position (GRCh38, 1-based): chr1:43,439,085, C>T. VCF-style: chr1-43439085-C-T. GRCh37 (hg19) VCF-style: chr1-43904756-C-T.
Other names: c.6613C>T, p.His2205Tyr (NM_015284.4); short protein forms H2262Y, H2205Y.
Identifiers: ClinVar variation 971086 (VCV000971086.9), dbSNP rs1654772343, ClinGen allele CA340032160.
Genomic context (GRCh38, chr1:43,439,085, plus strand): 5'-CGGCAGAACTTGCTCATCTTCCTGCACTCTCCCAAGTACACAGATAGCAACAGCCGGAAC[C>T]ACTTCCAAGTGAGATGGCACTCATCTCTCTCCACACTCATGTGCACCCCTGCCCCCTGCC-3'
Protein context (NP_001352928.1, residues 2252-2272): PKYTDSNSRN[His2262Tyr]FQHPLPPQGG

ClinVar aggregate classification (germline): Uncertain significance (1 of 4 stars; one submission).

Submission:

Labcorp Genetics (formerly Invitae), Labcorp
Classification: Uncertain significance. Last evaluated: 2021-02-10. Review status: criteria provided, single submitter. Criteria: Invitae Variant Classification Sherloc (09022015). Collection method: clinical testing. Allele origin: germline.
Comment: In summary, the available evidence is currently insufficient to determine the role of this variant in disease. Therefore, it has been classified as a Variant of Uncertain Significance. Algorithms developed to predict the effect of missense changes on protein structure and function are either unavailable or do not agree on the potential impact of this missense change (SIFT: "Tolerated"; PolyPhen-2: "Probably Damaging"; Align-GVGD: "Class C0"). This variant has not been reported in the literature in individuals with SZT2-related conditions. This variant is not present in population databases (ExAC no frequency). This sequence change replaces histidine with tyrosine at codon 2205 of the SZT2 protein (p.His2205Tyr). The histidine residue is highly conserved and there is a moderate physicochemical difference between histidine and tyrosine.